The following is an entry in ClinVar:

ClinVar aggregate classification (germline): Uncertain significance (1 of 4 stars; one submission).

Allele frequency attached by ClinVar (database versions not stated): gnomAD exomes below 0.00001; ExAC 0.00001.
gnomAD v4.1: 1 of 1,614,096 alleles (0.000062%); highest among the groups gnomAD compares: South Asian, 0.0011%; no homozygotes.

Submission:

Labcorp Genetics (formerly Invitae), Labcorp
Classification: Uncertain significance. Last evaluated: 2021-07-28. Review status: criteria provided, single submitter. Criteria: Invitae Variant Classification Sherloc (09022015). Collection method: clinical testing. Allele origin: germline.
Comment: In summary, the available evidence is currently insufficient to determine the role of this variant in disease. Therefore, it has been classified as a Variant of Uncertain Significance. Nucleotide substitutions within the consensus splice site are a relatively common cause of aberrant splicing (PMID: 17576681, 9536098). Algorithms developed to predict the effect of sequence changes on RNA splicing suggest that this variant may disrupt the consensus splice site. Algorithms developed to predict the effect of missense changes on protein structure and function are either unavailable or do not agree on the potential impact of this missense change (SIFT: "Tolerated"; PolyPhen-2: "Possibly Damaging"; Align-GVGD: "Class C0"). This variant has not been reported in the literature in individuals affected with C2CD3-related conditions. This variant is present in population databases (rs746177285, ExAC 0.006%). This sequence change replaces arginine with lysine at codon 1697 of the C2CD3 protein (p.Arg1697Lys). The arginine residue is highly conserved and there is a small physicochemical difference between arginine and lysine. This variant also falls at the last nucleotide of exon 25, which is part of the consensus splice site for this exon.

Literature cited by the submitters: PubMed 17576681; PubMed 9536098.

NM_001286577.2(C2CD3):c.5090G>A (p.Arg1697Lys)

Gene: C2CD3 (C2 domain containing 3 centriole elongation regulator; minus strand). Cytogenetic location: 11q13.4.
Variant type: single nucleotide variant.
Coding change: c.5090G>A on transcript NM_001286577.2 (MANE Select); coding-DNA position 5090, G replaced by A.
Protein change: p.Arg1697Lys; replaces arginine 1697 with lysine.
Molecular consequence: missense variant.
Genome position (GRCh38, 1-based): chr11:74,057,406, C>T on the plus strand (G>A on the coding strand, the complement: C2CD3 is on the minus strand). VCF-style: chr11-74057406-C-T. GRCh37 (hg19) VCF-style: chr11-73768451-C-T.
Other names: c.5090G>A, p.Arg1697Lys (NM_015531.6); short protein forms R1697K.
Identifiers: ClinVar variation 1370650 (VCV001370650.6), dbSNP rs746177285, ClinGen allele CA6181997.